The following is an entry in ClinVar:

ClinVar aggregate classification (germline): Uncertain significance (1 of 4 stars; one submission).

Submission:

GeneDx
Classification: Uncertain significance. Last evaluated: 2019-10-22. Review status: criteria provided, single submitter. Criteria: GeneDx Variant Classification Process June 2021. Collection method: clinical testing. Allele origin: germline. Affected: yes.
Comment: Not observed in large population cohorts (Lek et al., 2016); Frameshift variant predicted to result in protein truncation or nonsense mediated decay in a gene for which loss-of-function is not a known mechanism of disease; Has not been previously published as pathogenic or benign to our knowledge

NM_006267.5(RANBP2):c.508del (p.Arg170fs)

Gene: RANBP2 (RAN binding protein 2; plus strand). Cytogenetic location: 2q13.
Variant type: Deletion.
Coding change: c.508del on transcript NM_006267.5 (MANE Select); coding-DNA position 508, one base deleted (C; older notation c.508delC).
Protein change: p.Arg170fs; shifts the reading frame from arginine 170.
Molecular consequence: frameshift variant.
Genome position (GRCh38, 1-based): chr2:108,735,634, C deleted; the last of 2 consecutive C bases (chr2:108,735,633-108,735,634); deleting either gives the same sequence. VCF-style (leftmost placement, unchanged base first): chr2-108735632-TC-T. GRCh37 (hg19) VCF-style: chr2-109352088-TC-T.
Other names: short protein forms R170fs.
Identifiers: ClinVar variation 1308832 (VCV001308832.2), dbSNP rs2149128467, ClinGen allele CA2573051641.